The following is an entry in ClinVar:

ClinVar aggregate classification (germline): Uncertain significance (1 of 4 stars; one submission).

Conditions:
Hereditary cancer-predisposing syndrome. Also called: Neoplastic Syndromes, Hereditary; Tumor predisposition; Hereditary Cancer Syndrome; Hereditary neoplastic syndrome. Identifiers: Orphanet 140162, MedGen C0027672, MeSH D009386, MONDO:0015356.

Submission:

Ambry Genetics
Classification: Uncertain significance for Hereditary cancer-predisposing syndrome. Last evaluated: 2025-11-06. Review status: criteria provided, single submitter. Criteria: Ambry Variant Classification Scheme 2023. Collection method: clinical testing. Allele origin: germline.
Comment: The c.1449_1451delCCCinsACA variant (also known as p.H483_P484delinsQQ), located in coding exon 12 of the CHEK2 gene, results from an in-frame deletion of CCC and insertion of ACA at nucleotide positions 1449 to 1451. This results in the substitution of histidine and proline residues for a glutamine and glutamine residue at codon 483 and 484. This amino acid region is highly conserved in available vertebrate species. In addition, this variant is predicted to be deleterious/neutral by in silico analysis (Choi Y et al. PLoS ONE. 2012; 7(10):e46688). Based on the available evidence, the clinical significance of this variant remains unclear.

NM_007194.4(CHEK2):c.1449_1451delinsACA (p.His483_Pro484delinsGlnGln)

Gene: CHEK2 (checkpoint kinase 2; minus strand). Cytogenetic location: 22q12.1.
Variant type: Indel.
Coding change: c.1449_1451delinsACA on transcript NM_007194.4 (MANE Select); coding-DNA positions 1449 to 1451, CCC replaced by ACA.
Protein change: p.His483_Pro484delinsGlnGln.
Molecular consequence: missense variant.
Genome position (GRCh38, 1-based): chr22:28,694,042-28,694,044, GGG replaced by TGT on the plus strand (CCC replaced by ACA on the coding strand, the reverse complement: CHEK2 is on the minus strand). VCF-style: chr22-28694042-GGG-TGT. GRCh37 (hg19) VCF-style: chr22-29090030-GGG-TGT.
Other names: c.1578_1580delinsACA, p.His526_Pro527delinsGlnGln (NM_001005735.3); c.786_788delinsACA, p.His262_Pro263delinsGlnGln (NM_001257387.3, NM_001437942.1); c.1248_1250delinsACA, p.His416_Pro417delinsGlnGln (NM_001349956.3); c.1542_1544delinsACA, p.His514_Pro515delinsGlnGln (NM_001438293.1); c.1491_1493delinsACA, p.His497_Pro498delinsGlnGln (NM_001438294.1); c.1455_1457delinsACA, p.His485_Pro486delinsGlnGln (NM_001438295.1); c.1362_1364delinsACA, p.His454_Pro455delinsGlnGln (NM_145862.3).
Identifiers: ClinVar variation 4634877 (VCV004634877.1).